The following is an entry in ClinVar:

NM_177987.3(TUBB8):c.291C>A (p.Ala97=)

Gene: TUBB8 (tubulin beta 8 class VIII; minus strand). Cytogenetic location: 10p15.3.
Variant type: single nucleotide variant.
Coding change: c.291C>A on transcript NM_177987.3 (MANE Select); coding-DNA position 291, C replaced by A.
Protein change: p.Ala97=; no amino-acid change (alanine 97 retained).
Molecular consequence: synonymous variant.
Genome position (GRCh38, 1-based): chr10:48,101, G>T on the plus strand (C>A on the coding strand, the complement: TUBB8 is on the minus strand). VCF-style: chr10-48101-G-T. GRCh37 (hg19) VCF-style: chr10-94041-G-T.
Other names: c.75C>A, p.Ala25= (NM_001389618.1, NM_001389619.1).
Identifiers: ClinVar variation 3025247 (VCV003025247.22), dbSNP rs140274064, ClinGen allele CA5378568.
Genomic context (GRCh38, chr10:48,101, plus strand): 5'-CATCACTGACTCCATCAGCTCCGCGCCTTCGGTGTAGTGTCCCTTGGCCCAGTTGTTTCC[G>T]GCCCCACACTGACCTGTAAGACAGCACAGCCGGTCACTCGACGGCCAGGTATACGGTCAT-3'
Protein context (NP_817124.1, residues 87-107): PDNFIFGQCG[Ala97=]GNNWAKGHYT

ClinVar aggregate classification (germline): Likely benign (1 of 4 stars; one submission).

Allele frequency attached by ClinVar (database versions not stated): ESP Exome Variant Server 0.00361.

Submission:

CeGaT Center for Human Genetics Tuebingen
Classification: Likely benign. Last evaluated: 2024-02-01. Review status: criteria provided, single submitter. Criteria: CeGaT Center For Human Genetics Tuebingen Variant Classification Criteria Version 2. Collection method: clinical testing. Allele origin: germline. Affected: yes. Observed: 1 variant allele.
Comment: TUBB8: BP4, BP7